The following is an entry in ClinVar:

NM_001127208.3(TET2):c.2176C>T (p.Gln726Ter)

Genes: TET2 (tet methylcytosine dioxygenase 2; plus strand), TET2-AS1 (TET2 antisense RNA 1; minus strand). Cytogenetic location: 4q24.
Variant type: single nucleotide variant.
Coding change: c.2176C>T on transcript NM_001127208.3 (MANE Select); coding-DNA position 2176, C replaced by T.
Protein change: p.Gln726Ter; replaces glutamine 726 with a stop codon.
Molecular consequence: nonsense.
Genome position (GRCh38, 1-based): chr4:105,236,118, C>T. VCF-style: chr4-105236118-C-T. GRCh37 (hg19) VCF-style: chr4-106157275-C-T.
Other names: c.2176C>T, p.Gln726Ter (NM_017628.4); short protein forms Q726*.
Identifiers: ClinVar variation 3668400 (VCV003668400.2).
Genomic context (GRCh38, chr4:105,236,118, plus strand): 5'-CAGGCTTCAGAGACTGAGCCATTTTCAAACTCACACCTTTTGCAACATAAGCCTCATAAA[C>T]AGGCAGCACAAACACAACCATCCCAGAGTTCACATCTCCCTCAAAACCAGCAACAGCAGC-3'

ClinVar aggregate classification (germline): Pathogenic (1 of 4 stars; one submission).

Submission:

Labcorp Genetics (formerly Invitae), Labcorp
Classification: Pathogenic. Last evaluated: 2024-03-16. Review status: criteria provided, single submitter. Criteria: Invitae Variant Classification Sherloc (09022015). Collection method: clinical testing. Allele origin: germline.
Comment: This sequence change creates a premature translational stop signal (p.Gln726*) in the TET2 gene. It is expected to result in an absent or disrupted protein product. Loss-of-function variants in TET2 are known to be pathogenic (PMID: 36066697). This variant is not present in population databases (gnomAD no frequency). This variant has not been reported in the literature in individuals affected with TET2-related conditions. For these reasons, this variant has been classified as Pathogenic.

Literature cited by the submitters: PubMed 36066697.